The following is an entry in ClinVar:

ClinVar aggregate classification (germline): Pathogenic (1 of 4 stars; one submission).

Conditions:
Cerebral cavernous malformation 2. Also called: Familial Cerebral Cavernous Malformation 2. Identifiers: Orphanet 221061, MedGen C1864041, MONDO:0011304, OMIM 603284.

Submission:

Labcorp Genetics (formerly Invitae), Labcorp
Classification: Pathogenic for Cerebral cavernous malformation 2. Last evaluated: 2025-07-30. Review status: criteria provided, single submitter. Criteria: Invitae Variant Classification Sherloc (09022015). Collection method: clinical testing. Allele origin: germline.
Comment: This sequence change creates a premature translational stop signal (p.Pro41Glyfs*21) in the CCM2 gene. It is expected to result in an absent or disrupted protein product. Loss-of-function variants in CCM2 are known to be pathogenic (PMID: 18300272, 24689081). This variant is not present in population databases (gnomAD no frequency). This variant has not been reported in the literature in individuals affected with CCM2-related conditions. For these reasons, this variant has been classified as Pathogenic.

Literature cited by the submitters: PubMed 18300272; PubMed 24689081.

NM_031443.4(CCM2):c.113_117dup (p.Pro41fs)

Gene: CCM2 (CCM2 scaffold protein; plus strand). Cytogenetic location: 7p13.
Variant type: Duplication.
Coding change: c.113_117dup on transcript NM_031443.4 (MANE Select); coding-DNA positions 113 to 117, 5 bases duplicated (AGAGG; older notation c.113_117dupAGAGG).
Protein change: p.Pro41fs; shifts the reading frame from proline 41.
Molecular consequence: frameshift variant. On other transcripts: non-coding transcript variant (1), intron variant (2).
Genome position (GRCh38, 1-based): chr7:45,038,335-45,038,339, AGAGG duplicated; duplicating any 5 consecutive bases within chr7:45,038,334-45,038,339 gives the same sequence; the c. name uses the placement nearest the transcript's 3' end. VCF-style (leftmost placement, unchanged base first): chr7-45038333-A-AGAGAG. GRCh37 (hg19) VCF-style: chr7-45077932-A-AGAGAG.
Other names: c.176_180dup, p.Pro62fs (NM_001029835.2); c.113_117dup, p.Pro41fs (NM_001167935.2, NM_001363458.2); c.31-25583_31-25579dup (NM_001363459.2, NM_001167934.2); short protein forms P62fs, P41fs.
Identifiers: ClinVar variation 4724440 (VCV004724440.1).
Genomic context (GRCh38, chr7:45,038,333, plus strand): 5'-TAAACGAGTATTCCTAAAAGGTGAAAAGAGTAGAGATAAGAAAGCCCATGAGAAGGTGAC[A>AGAGAG]GAGAGGCGCCCTCTGCACACTGTGGTGTTGTCATTGCCTGAGCGCGTCGAGCCAGACAGA-3'